The following is an entry in ClinVar:

NM_006306.4(SMC1A):c.1171C>T (p.Gln391Ter)

Gene: SMC1A (structural maintenance of chromosomes 1A; minus strand). Cytogenetic location: Xp11.22.
Variant type: single nucleotide variant.
Coding change: c.1171C>T on transcript NM_006306.4 (MANE Select); coding-DNA position 1171, C replaced by T.
Protein change: p.Gln391Ter; replaces glutamine 391 with a stop codon.
Molecular consequence: nonsense.
Genome position (GRCh38, 1-based): chrX:53,411,844, G>A on the plus strand (C>T on the coding strand, the complement: SMC1A is on the minus strand). VCF-style: chrX-53411844-G-A. GRCh37 (hg19) VCF-style: chrX-53438794-G-A.
Other names: c.1105C>T, p.Gln369Ter (NM_001281463.1); c.1171C>T (NM_006306.2); short protein forms Q369*, Q391*.
Identifiers: ClinVar variation 1164034 (VCV001164034.2), dbSNP rs2146604602, ClinGen allele CA413256701.

ClinVar aggregate classification (germline): Pathogenic. Review status: criteria provided, single submitter (1 of 4 stars). 2 submissions from 2 submitters: Pathogenic (1). 1 of the submissions does not count toward it. Last evaluated 2023-08-15.

Conditions:
Congenital muscular hypertrophy-cerebral syndrome (CDLS2). Also called: SMC1A-Related Cornelia de Lange Syndrome; Cornelia de Lange syndrome 2. Identifiers: Orphanet 199, MedGen C1802395, MONDO:0010370, OMIM 300590.

Submissions (2):

GeneDx
Classification: Pathogenic. Last evaluated: 2023-08-15. Review status: criteria provided, single submitter. Criteria: GeneDx Variant Classification Process June 2021. Collection method: clinical testing. Allele origin: germline. Affected: yes.
Comment: Nonsense variant predicted to result in protein truncation or nonsense mediated decay in a gene for which loss of function is a known mechanism of disease; Not observed at significant frequency in large population cohorts (gnomAD); This variant is associated with the following publications: (PMID: 34580403)

Pediatric Genetics Clinic, Sheba Medical Center
Classification: Pathogenic for Congenital muscular hypertrophy-cerebral syndrome. Last evaluated: 2021-05-13. Review status: no assertion criteria provided. Collection method: clinical testing. Allele origin: de novo. Affected: yes. Observed: 1 heterozygote. Not counted in ClinVar's aggregate classification.